The following is an entry in ClinVar:

ClinVar aggregate classification (germline): Uncertain significance. Review status: criteria provided, multiple submitters, no conflicts (2 of 4 stars). 2 submissions from 2 submitters: Uncertain significance (2). Last evaluated 2022-04-12.

Conditions:
Severe combined immunodeficiency due to DNA-PKcs deficiency. Also called: IMMUNODEFICIENCY 26 WITH NEUROLOGIC ABNORMALITIES; Immunodeficiency 26 with or without neurologic abnormalities. Identifiers: Orphanet 317425, MedGen C4014833, MONDO:0014423, OMIM 615966.

Allele frequency attached by ClinVar (database versions not stated): gnomAD 0.00001; TOPMed 0.00001.
gnomAD v4.1: 4 of 1,597,228 alleles (0.00025%); highest among the groups gnomAD compares: Non-Finnish European, 0.00034%; no homozygotes.

Submissions (2):

Labcorp Genetics (formerly Invitae), Labcorp
Classification: Uncertain significance for Severe combined immunodeficiency due to DNA-PKcs deficiency. Last evaluated: 2022-04-12. Review status: criteria provided, single submitter. Criteria: Invitae Variant Classification Sherloc (09022015). Collection method: clinical testing. Allele origin: germline.
Comment: This sequence change replaces valine, which is neutral and non-polar, with leucine, which is neutral and non-polar, at codon 67 of the PRKDC protein (p.Val67Leu). This variant is not present in population databases (gnomAD no frequency). This variant has not been reported in the literature in individuals affected with PRKDC-related conditions. Experimental studies and prediction algorithms are not available or were not evaluated, and the functional significance of this variant is currently unknown. In summary, the available evidence is currently insufficient to determine the role of this variant in disease. Therefore, it has been classified as a Variant of Uncertain Significance.

Ambry Genetics
Classification: Uncertain significance. Last evaluated: 2021-07-14. Review status: criteria provided, single submitter. Criteria: Ambry Variant Classification Scheme 2023. Collection method: clinical testing. Allele origin: germline.
Comment: The p.V67L variant (also known as c.199G>C), located in coding exon 2 of the PRKDC gene, results from a G to C substitution at nucleotide position 199. The valine at codon 67 is replaced by leucine, an amino acid with highly similar properties. This amino acid position is conserved. In addition, this alteration is predicted to be tolerated by in silico analysis. Since supporting evidence is limited at this time, the clinical significance of this alteration remains unclear.

NM_006904.7(PRKDC):c.199G>C (p.Val67Leu)

Gene: PRKDC (protein kinase, DNA-activated, catalytic subunit; minus strand). Cytogenetic location: 8q11.21.
Variant type: single nucleotide variant.
Coding change: c.199G>C on transcript NM_006904.7 (MANE Select); coding-DNA position 199, G replaced by C.
Protein change: p.Val67Leu; replaces valine 67 with leucine.
Molecular consequence: missense variant.
Genome position (GRCh38, 1-based): chr8:47,957,387, C>G on the plus strand (G>C on the coding strand, the complement: PRKDC is on the minus strand). VCF-style: chr8-47957387-C-G. GRCh37 (hg19) VCF-style: chr8-48869947-C-G.
Other names: c.199G>C, p.Val67Leu (NM_001081640.2); short protein forms V67L.
Identifiers: ClinVar variation 1784141 (VCV001784141.4), dbSNP rs2090721922, ClinGen allele CA371141568.
Genomic context (GRCh38, chr8:47,957,387, plus strand): 5'-AAAAGCAAAACCAAAATTGTCAACTTACTTCAATACTGTTGAGTGACTTCCGGACAAATA[C>G]AAGCAAACCGAAATCTCTGGAAAAAACTAAAGATGTCTGTAATGCTGTTCAAAAAAATAA-3'
Protein context (NP_008835.5, residues 57-77): LVFSRDFGLL[Val67Leu]FVRKSLNSIE